The following is an entry in ClinVar:

NM_001347721.2(DYRK1A):c.737G>A (p.Arg246Gln)

Gene: DYRK1A (dual specificity tyrosine phosphorylation regulated kinase 1A; plus strand). Cytogenetic location: 21q22.13.
Variant type: single nucleotide variant.
Coding change: c.737G>A on transcript NM_001347721.2 (MANE Select); coding-DNA position 737, G replaced by A.
Protein change: p.Arg246Gln; replaces arginine 246 with glutamine.
Molecular consequence: missense variant.
Genome position (GRCh38, 1-based): chr21:37,490,274, G>A. VCF-style: chr21-37490274-G-A. GRCh37 (hg19) VCF-style: chr21-38862576-G-A.
Other names: c.737G>A, p.Arg246Gln (NM_001347722.2, NM_130436.2); c.650G>A, p.Arg217Gln (NM_001347723.2); c.764G>A, p.Arg255Gln (NM_001396.5, NM_101395.2, NM_130438.2); short protein forms R217Q, R246Q, R255Q.
Identifiers: ClinVar variation 1162318 (VCV001162318.3), dbSNP rs2148612639, ClinGen allele CA409947508.
Genomic context (GRCh38, chr21:37,490,274, plus strand): 5'-GTTTAGTTTTTGAAATGCTGTCCTACAACCTCTATGACTTGCTGAGAAACACCAATTTCC[G>A]AGGGGTCTCTTTGAACCTAACACGAAAGTTTGCGCAACAGATGTGCACTGCACTGCTTTT-3'
Protein context (NP_001334650.1, residues 236-256): LYDLLRNTNF[Arg246Gln]GVSLNLTRKF

ClinVar aggregate classification (germline): Benign (0 of 4 stars; one submission).

Conditions:
Intellectual disability. Also called: Intellectual functioning disability; intellectual disabilities; Intellectual developmental disorder. Identifiers: MedGen C3714756, MeSH D008607, MONDO:0001071, HP:0001249.

Submission:

Diagnostic Laboratory, Strasbourg University Hospital
Classification: Benign for intellectual disability. Last evaluated: 2021-06-07. Review status: no assertion criteria provided. Collection method: clinical testing. Allele origin: unknown. Inheritance: Sporadic. Affected: yes. Observed: 1 variant allele, 1 heterozygote.
Comment: no effect on DYRK1A protein expression and autophosphorylation. DNA methylation profile similar to control individuals (Courraud et al. GIM 2021)